The following is an entry in ClinVar:

NM_005879.3(TRAIP):c.1403G>T (p.Trp468Leu)

Gene: TRAIP (TRAF interacting protein; minus strand). Cytogenetic location: 3p21.31.
Variant type: single nucleotide variant.
Coding change: c.1403G>T on transcript NM_005879.3 (MANE Select); coding-DNA position 1403, G replaced by T.
Protein change: p.Trp468Leu; replaces tryptophan 468 with leucine.
Molecular consequence: missense variant.
Genome position (GRCh38, 1-based): chr3:49,829,110, C>A on the plus strand (G>T on the coding strand, the complement: TRAIP is on the minus strand). VCF-style: chr3-49829110-C-A. GRCh37 (hg19) VCF-style: chr3-49866543-C-A.
Other names: short protein forms W468L.
Identifiers: ClinVar variation 1986562 (VCV001986562.4), dbSNP rs2544951952, ClinGen allele CA352855146.

ClinVar aggregate classification (germline): Uncertain significance (1 of 4 stars; one submission).

gnomAD v4.1: 2 of 1,614,202 alleles (0.00012%); highest among the groups gnomAD compares: Admixed American, 0.0033%; no homozygotes.

Submission:

Labcorp Genetics (formerly Invitae), Labcorp
Classification: Uncertain significance. Last evaluated: 2022-05-27. Review status: criteria provided, single submitter. Criteria: Invitae Variant Classification Sherloc (09022015). Collection method: clinical testing. Allele origin: germline.
Comment: In summary, the available evidence is currently insufficient to determine the role of this variant in disease. Therefore, it has been classified as a Variant of Uncertain Significance. Algorithms developed to predict the effect of missense changes on protein structure and function output the following: SIFT: "Tolerated"; PolyPhen-2: "Probably Damaging"; Align-GVGD: "Class C0". The leucine amino acid residue is found in multiple mammalian species, which suggests that this missense change does not adversely affect protein function. This variant has not been reported in the literature in individuals affected with TRAIP-related conditions. This variant is not present in population databases (gnomAD no frequency). This sequence change replaces tryptophan, which is neutral and slightly polar, with leucine, which is neutral and non-polar, at codon 468 of the TRAIP protein (p.Trp468Leu).